The following is an entry in ClinVar:

ClinVar aggregate classification (germline): Uncertain significance. Review status: criteria provided, multiple submitters, no conflicts (2 of 4 stars). 2 submissions from 2 submitters: Uncertain significance (2). Last evaluated 2023-11-10.

Allele frequency attached by ClinVar (database versions not stated): gnomAD exomes 0.00013.
gnomAD v4.1: 161 of 1,550,516 alleles (0.01%); highest among the groups gnomAD compares: Admixed American, 0.043%; no homozygotes.

Submissions (2):

Blueprint Genetics
Classification: Uncertain significance. Last evaluated: 2023-11-10. Review status: criteria provided, single submitter. Criteria: ACMG Guidelines, 2015. Collection method: clinical testing. Allele origin: germline.

Labcorp Genetics (formerly Invitae), Labcorp
Classification: Uncertain significance. Last evaluated: 2022-10-12. Review status: criteria provided, single submitter. Criteria: Invitae Variant Classification Sherloc (09022015). Collection method: clinical testing. Allele origin: germline.
Comment: In summary, the available evidence is currently insufficient to determine the role of this variant in disease. Therefore, it has been classified as a Variant of Uncertain Significance. Algorithms developed to predict the effect of missense changes on protein structure and function are either unavailable or do not agree on the potential impact of this missense change (SIFT: "Deleterious"; PolyPhen-2: "Possibly Damaging"; Align-GVGD: "Class C0"). ClinVar contains an entry for this variant (Variation ID: 1500379). This variant has not been reported in the literature in individuals affected with OTOG-related conditions. This variant is present in population databases (rs759044507, gnomAD 0.04%). This sequence change replaces arginine, which is basic and polar, with histidine, which is basic and polar, at codon 995 of the OTOG protein (p.Arg995His).

NM_001292063.2(OTOG):c.2948G>A (p.Arg983His)

Gene: OTOG (otogelin; plus strand). Cytogenetic location: 11p15.1.
Variant type: single nucleotide variant.
Coding change: c.2948G>A on transcript NM_001292063.2 (MANE Select); coding-DNA position 2948, G replaced by A.
Protein change: p.Arg983His; replaces arginine 983 with histidine.
Molecular consequence: missense variant.
Genome position (GRCh38, 1-based): chr11:17,591,530, G>A. VCF-style: chr11-17591530-G-A. GRCh37 (hg19) VCF-style: chr11-17613077-G-A.
Other names: c.2984G>A, p.Arg995His (NM_001277269.2); short protein forms R983H, R995H.
Identifiers: ClinVar variation 1500379 (VCV001500379.8), dbSNP rs759044507, ClinGen allele CA218459282.
Genomic context (GRCh38, chr11:17,591,530, plus strand): 5'-TCCAGTGCACCCTGCACCCTTGCGCCTCCACCTGCACTGCCTATGGGGACCGGCATTACC[G>A]CACGTTTGATGGGCTCCCGTTTGACTTCGTGGGGGCATGCAAAGTGCACCTGGTCAAGGT-3'
Protein context (NP_001278992.1, residues 973-993): TCTAYGDRHY[Arg983His]TFDGLPFDFV